The following is an entry in ClinVar:

ClinVar aggregate classification (germline): Likely benign. Review status: criteria provided, multiple submitters, no conflicts (2 of 4 stars). 2 submissions from 2 submitters: Likely benign (2). Last evaluated 2026-07-01.

gnomAD v4.1: 1,045 of 1,612,882 alleles (0.065%); highest among the groups gnomAD compares: African/African-American, 0.23%; 6 homozygotes.

Submissions (2):

CeGaT Center for Human Genetics Tuebingen
Classification: Likely benign. Last evaluated: 2026-07-01. Review status: criteria provided, single submitter. Criteria: CeGaT Center For Human Genetics Tuebingen Variant Classification Criteria Version 2. Collection method: clinical testing. Allele origin: germline. Affected: yes. Observed: 2 variant alleles.
Comment: PUM1: BS1

Blueprint Genetics
Classification: Likely benign. Last evaluated: 2024-10-08. Review status: criteria provided, single submitter. Criteria: ACMG Guidelines, 2015. Collection method: clinical testing. Allele origin: germline.

NM_001020658.2(PUM1):c.304G>A (p.Gly102Ser)

Gene: PUM1 (pumilio RNA binding family member 1; minus strand). Cytogenetic location: 1p35.2.
Variant type: single nucleotide variant.
Coding change: c.304G>A on transcript NM_001020658.2 (MANE Select); coding-DNA position 304, G replaced by A.
Protein change: p.Gly102Ser; replaces glycine 102 with serine.
Molecular consequence: missense variant.
Genome position (GRCh38, 1-based): chr1:31,059,263, C>T on the plus strand (G>A on the coding strand, the complement: PUM1 is on the minus strand). VCF-style: chr1-31059263-C-T. GRCh37 (hg19) VCF-style: chr1-31532110-C-T.
Other names: c.304G>A, p.Gly102Ser (NM_014676.3); short protein forms G102S.
Identifiers: ClinVar variation 4083999 (VCV004083999.9).